The following is an entry in ClinVar:

NM_000138.5(FBN1):c.2254del (p.Ser752fs)

Gene: FBN1 (fibrillin 1; minus strand). Cytogenetic location: 15q21.1.
Variant type: Deletion.
Coding change: c.2254del on transcript NM_000138.5 (MANE Select); coding-DNA position 2254, one base deleted (T; older notation c.2254delT).
Protein change: p.Ser752fs; shifts the reading frame from serine 752.
Molecular consequence: frameshift variant.
Genome position (GRCh38, 1-based): chr15:48,497,305, A deleted on the plus strand (T on the coding strand, the reverse complement: FBN1 is on the minus strand); the first of 2 consecutive A bases (chr15:48,497,305-48,497,306); deleting either gives the same sequence. VCF-style (leftmost placement, unchanged base first): chr15-48497304-GA-G. GRCh37 (hg19) VCF-style: chr15-48789501-GA-G.
Other names: c.2254delT (NM_000138.4); short protein forms S752fs.
Identifiers: ClinVar variation 373697 (VCV000373697.2), dbSNP rs1057518554, ClinGen allele CA16042876.

ClinVar aggregate classification (germline): Pathogenic (1 of 4 stars; one submission).

Submission:

GeneDx
Classification: Pathogenic. Last evaluated: 2016-11-29. Review status: criteria provided, single submitter. Criteria: GeneDx Variant Classification (06012015). Collection method: clinical testing. Allele origin: germline. Affected: yes.
Comment: The c.2254delT variant in the FBN1 gene has not been reported previously as a pathogenic variant nor as a benign variant, to our knowledge. The c.2254delT variant causes a frameshift starting with codon Serine 752, changes this amino acid to a Glutamine residue, and creates a premature Stop codon at position 20 of the new reading frame, denoted p.Ser752GlnfsX20. This variant is predicted to cause loss of normal protein function either through protein truncation or nonsense-mediated mRNA decay. The c.2254delT variant was not observed in approximately 6500 individuals of European and African American ancestry in the NHLBI Exome Sequencing Project, indicating it is not a common benign variant in these populations. We interpret c.2254delT as a pathogenic variant.